The following is an entry in ClinVar:

ClinVar aggregate classification (germline): Uncertain significance (1 of 4 stars; one submission).

Submission:

GeneDx
Classification: Uncertain significance. Last evaluated: 2026-03-04. Review status: criteria provided, single submitter. Criteria: GeneDx Variant Classification Process June 2021. Collection method: clinical testing. Allele origin: germline.
Comment: Not observed at significant frequency in large population cohorts (gnomAD); In silico analysis supports that this missense variant has a deleterious effect on protein structure/function; Has not been previously published as pathogenic or benign to our knowledge

NM_001368894.2(PAX6):c.287A>C (p.Glu96Ala)

Gene: PAX6 (paired box 6; minus strand). Cytogenetic location: 11p13.
Variant type: single nucleotide variant.
Coding change: c.287A>C on transcript NM_001368894.2 (MANE Select); coding-DNA position 287, A replaced by C.
Protein change: p.Glu96Ala; replaces glutamic acid 96 with alanine.
Molecular consequence: missense variant. On other transcripts: 5 prime UTR variant (14), non-coding transcript variant (2), intron variant (8).
Genome position (GRCh38, 1-based): chr11:31,801,673, T>G on the plus strand (A>C on the coding strand, the complement: PAX6 is on the minus strand). VCF-style: chr11-31801673-T-G. GRCh37 (hg19) VCF-style: chr11-31823221-T-G.
Other names: c.245A>C, p.Glu82Ala (NM_000280.6, NM_001127612.3, NM_001258464.2 and 10 more transcripts); c.287A>C, p.Glu96Ala (NM_001258462.3, NM_001258463.2, NM_001310158.2 and 6 more transcripts); c.-495A>C (NM_001310160.2, NM_001368902.2, NM_001368905.2); c.-164A>C (NM_001310161.3, NM_001368899.2, NM_001368900.2 and 8 more transcripts); c.488A>C, p.Glu163Ala (NM_001368910.2); c.290A>C, p.Glu97Ala (NM_001368911.2); c.362A>C, p.Glu121Ala (NM_001368918.2, NM_001368919.2); c.320A>C, p.Glu107Ala (NM_001368920.2); and 2 more; short protein forms E107A, E121A, E163A, E82A, E96A, E97A.
Identifiers: ClinVar variation 4891404 (VCV004891404.1).